The following is an entry in ClinVar:

ClinVar aggregate classification (germline): Uncertain significance (1 of 4 stars; one submission).

Conditions:
Arrhythmogenic right ventricular dysplasia 11. Also called: Arrhythmogenic Right Ventricular Dysplasia/Cardiomyopathy11; ARRHYTHMOGENIC RIGHT VENTRICULAR DYSPLASIA, FAMILIAL, 11; Arrhythmogenic right ventricular dysplasia 11 with mild palmoplantar keratoderma and woolly hair. Identifiers: MedGen C1864850, MONDO:0012506, OMIM 610476.

Submission:

Labcorp Genetics (formerly Invitae), Labcorp
Classification: Uncertain significance for Arrhythmogenic right ventricular dysplasia 11. Last evaluated: 2025-05-17. Review status: criteria provided, single submitter. Criteria: Invitae Variant Classification Sherloc (09022015). Collection method: clinical testing. Allele origin: germline.
Comment: This sequence change replaces aspartic acid, which is acidic and polar, with asparagine, which is neutral and polar, at codon 534 of the DSC2 protein (p.Asp534Asn). This variant is not present in population databases (gnomAD no frequency). This missense change has been observed in individual(s) with clinical features of DSC2-related conditions (internal data). ClinVar contains an entry for this variant (Variation ID: 468370). Invitae Evidence Modeling of protein sequence and biophysical properties (such as structural, functional, and spatial information, amino acid conservation, physicochemical variation, residue mobility, and thermodynamic stability) indicates that this missense variant is expected to disrupt DSC2 protein function with a positive predictive value of 80%. In summary, the available evidence is currently insufficient to determine the role of this variant in disease. Therefore, it has been classified as a Variant of Uncertain Significance.

NM_024422.6(DSC2):c.1600G>A (p.Asp534Asn)

Gene: DSC2 (desmocollin 2; minus strand). Cytogenetic location: 18q12.1.
Variant type: single nucleotide variant.
Coding change: c.1600G>A on transcript NM_024422.6 (MANE Select); coding-DNA position 1600, G replaced by A.
Protein change: p.Asp534Asn; replaces aspartic acid 534 with asparagine.
Molecular consequence: missense variant.
Genome position (GRCh38, 1-based): chr18:31,079,910, C>T on the plus strand (G>A on the coding strand, the complement: DSC2 is on the minus strand). VCF-style: chr18-31079910-C-T. GRCh37 (hg19) VCF-style: chr18-28659876-C-T.
Other names: c.1600G>A, p.Asp534Asn (NM_004949.5); short protein forms D534N.
Identifiers: ClinVar variation 468370 (VCV000468370.9), dbSNP rs1555638635, ClinGen allele CA402107957.